The following is an entry in ClinVar:

NM_022047.4(DEF6):c.50C>T (p.Ala17Val)

Gene: DEF6 (DEF6 guanine nucleotide exchange factor; plus strand). Cytogenetic location: 6p21.31.
Variant type: single nucleotide variant.
Coding change: c.50C>T on transcript NM_022047.4 (MANE Select); coding-DNA position 50, C replaced by T.
Protein change: p.Ala17Val; replaces alanine 17 with valine.
Molecular consequence: missense variant.
Genome position (GRCh38, 1-based): chr6:35,297,906, C>T. VCF-style: chr6-35297906-C-T. GRCh37 (hg19) VCF-style: chr6-35265683-C-T.
Other names: short protein forms A17V.
Identifiers: ClinVar variation 2066314 (VCV002066314.1), dbSNP rs1444209144, ClinGen allele CA363759693.

ClinVar aggregate classification (germline): Uncertain significance (1 of 4 stars; one submission).

Allele frequency attached by ClinVar (database versions not stated): gnomAD exomes below 0.00001.
gnomAD v4.1: 4 of 1,607,998 alleles (0.00025%); highest among the groups gnomAD compares: Non-Finnish European, 0.00025%; no homozygotes.

Submission:

Labcorp Genetics (formerly Invitae), Labcorp
Classification: Uncertain significance. Last evaluated: 2021-12-30. Review status: criteria provided, single submitter. Criteria: Invitae Variant Classification Sherloc (09022015). Collection method: clinical testing. Allele origin: germline.
Comment: This sequence change replaces alanine, which is neutral and non-polar, with valine, which is neutral and non-polar, at codon 17 of the DEF6 protein (p.Ala17Val). This variant is not present in population databases (gnomAD no frequency). This variant has not been reported in the literature in individuals affected with DEF6-related conditions. Algorithms developed to predict the effect of missense changes on protein structure and function are either unavailable or do not agree on the potential impact of this missense change (SIFT: "Deleterious"; PolyPhen-2: "Benign"; Align-GVGD: "Class C0"). In summary, the available evidence is currently insufficient to determine the role of this variant in disease. Therefore, it has been classified as a Variant of Uncertain Significance.